The following is an entry in ClinVar:

ClinVar aggregate classification (germline): Uncertain significance (1 of 4 stars; one submission).

Conditions:
Long QT syndrome (LQTS). Identifiers: MedGen C0023976, MeSH D008133, MONDO:0002442. Disease mechanism: loss of function. Inheritance: Various modes of inheritance.

Submission:

Labcorp Genetics (formerly Invitae), Labcorp
Classification: Uncertain significance for Long QT syndrome. Last evaluated: 2025-07-20. Review status: criteria provided, single submitter. Criteria: Invitae Variant Classification Sherloc (09022015). Collection method: clinical testing. Allele origin: germline.
Comment: This sequence change replaces proline, which is neutral and non-polar, with threonine, which is neutral and polar, at codon 3384 of the ANK2 protein (p.Pro3384Thr). This variant is not present in population databases (gnomAD no frequency). This variant has not been reported in the literature in individuals affected with ANK2-related conditions. An algorithm developed to predict the effect of missense changes on protein structure and function (PolyPhen-2) suggests that this variant is likely to be tolerated. In summary, the available evidence is currently insufficient to determine the role of this variant in disease. Therefore, it has been classified as a Variant of Uncertain Significance.

NM_001148.6(ANK2):c.10150C>A (p.Pro3384Thr)

Gene: ANK2 (ankyrin 2; plus strand). Cytogenetic location: 4q26.
Variant type: single nucleotide variant.
Coding change: c.10150C>A on transcript NM_001148.6 (MANE Select); coding-DNA position 10150, C replaced by A.
Protein change: p.Pro3384Thr; replaces proline 3384 with threonine.
Molecular consequence: missense variant. On other transcripts: intron variant (68).
Genome position (GRCh38, 1-based): chr4:113,358,768, C>A. VCF-style: chr4-113358768-C-A. GRCh37 (hg19) VCF-style: chr4-114279924-C-A.
Other names: c.9916C>A, p.Pro3306Thr (NM_001386142.1); c.6550C>A, p.Pro2184Thr (NM_001386166.1); c.10291C>A, p.Pro3431Thr (NM_001386174.1); c.10267C>A, p.Pro3423Thr (NM_001386175.1); c.4412-2055C>A (NM_001386186.2, NM_001386148.2); c.4214-2055C>A (NM_001354269.3); c.4292-2055C>A (NM_001386187.2); c.4253-2055C>A (NM_001386147.1); and 35 more; short protein forms P3384T, P3423T, P2184T, P3431T, P3306T.
Identifiers: ClinVar variation 4723067 (VCV004723067.1).